The following is an entry in ClinVar:

NM_001042492.3(NF1):c.4767G>A (p.Thr1589=)

Gene: NF1 (neurofibromin 1; plus strand). Cytogenetic location: 17q11.2.
Variant type: single nucleotide variant.
Coding change: c.4767G>A on transcript NM_001042492.3 (MANE Select); coding-DNA position 4767, G replaced by A.
Protein change: p.Thr1589=; no amino-acid change (threonine 1589 retained).
Molecular consequence: synonymous variant.
Genome position (GRCh38, 1-based): chr17:31,265,271, G>A. VCF-style: chr17-31265271-G-A. GRCh37 (hg19) VCF-style: chr17-29592289-G-A.
Other names: c.4704G>A, p.Thr1568= (NM_000267.4).
Identifiers: ClinVar variation 230351 (VCV000230351.20), dbSNP rs376659579, ClinGen allele CA8486473.

ClinVar aggregate classification (germline): Benign/Likely benign. Review status: criteria provided, multiple submitters, no conflicts (2 of 4 stars). 8 submissions from 8 submitters: Benign (1); Likely benign (6). 1 of the submissions does not count toward it. Last evaluated 2026-05-20.

Conditions:
Hereditary cancer-predisposing syndrome. Also called: Neoplastic Syndromes, Hereditary; Hereditary Cancer Syndrome; Tumor predisposition; Hereditary neoplastic syndrome. Identifiers: Orphanet 140162, MedGen C0027672, MeSH D009386, MONDO:0015356.
NF1-related disorder. Also called: NF1-related condition. Identifiers: MedGen CN379171.
Neurofibromatosis, type 1 (NF1). Also called: Peripheral type neurofibromatosis; Neurofibromatosis, type I; VON RECKLINGHAUSEN DISEASE; NEUROFIBROMATOSIS, TYPE I, SOMATIC. Identifiers: Orphanet 636, MedGen C0027831, MONDO:0018975, OMIM 162200. Disease mechanism: loss of function.

Allele frequency attached by ClinVar (database versions not stated): gnomAD exomes below 0.00001 and 0.00001; ExAC 0.00001; gnomAD 0.00004; TOPMed 0.00005; ESP Exome Variant Server 0.00008.
gnomAD v4.1: 13 of 1,613,156 alleles (0.00081%); highest among the groups gnomAD compares: African/African-American, 0.011%; no homozygotes.

Submissions (8):

Myriad Genetics, Inc.
Classification: Benign for Neurofibromatosis, type 1. Last evaluated: 2026-05-20. Review status: criteria provided, single submitter. Criteria: Myriad Autosomal Dominant, Autosomal Recessive and X-Linked Classification Criteria (2023). Collection method: clinical testing. Allele origin: unknown.
Comment: This variant is considered benign. This variant is a silent/synonymous amino acid change and it is not expected to impact splicing.

Labcorp Genetics (formerly Invitae), Labcorp
Classification: Likely benign for Neurofibromatosis, type 1. Last evaluated: 2025-12-15. Review status: criteria provided, single submitter. Criteria: Invitae Variant Classification Sherloc (09022015). Collection method: clinical testing. Allele origin: germline.

Institute for Biomarker Research, Medical Diagnostic Laboratories, L.L.C.
Classification: Likely benign for Hereditary cancer-predisposing syndrome. Last evaluated: 2024-01-23. Review status: criteria provided, single submitter. Criteria: ACMG Guidelines, 2015. Collection method: clinical testing. Allele origin: germline.

Genome-Nilou Lab
Classification: Likely benign for Neurofibromatosis, type 1. Last evaluated: 2022-03-15. Review status: criteria provided, single submitter. Criteria: ACMG Guidelines, 2015. Collection method: clinical testing. Allele origin: germline. Affected: no.

Blueprint Genetics
Classification: Likely benign. Last evaluated: 2021-05-11. Review status: criteria provided, single submitter. Criteria: ACMG Guidelines, 2015. Collection method: clinical testing. Allele origin: germline.

Sema4
Classification: Likely benign for Hereditary cancer-predisposing syndrome. Last evaluated: 2021-04-01. Review status: criteria provided, single submitter. Criteria: Sema4 Curation Guidelines. Collection method: curation. Allele origin: germline.

Ambry Genetics
Classification: Likely benign for Hereditary cancer-predisposing syndrome. Last evaluated: 2015-02-11. Review status: criteria provided, single submitter. Criteria: Ambry Autosomal Dominant and X-Linked criteria (10/2015). Collection method: clinical testing. Allele origin: germline. Observed: 1 variant allele.

PreventionGenetics, part of Exact Sciences
Classification: Likely benign for NF1-related condition. Last evaluated: 2020-07-30. Review status: no assertion criteria provided. Collection method: clinical testing. Allele origin: germline. Not counted in ClinVar's aggregate classification.
Comment: This variant is classified as likely benign based on ACMG/AMP sequence variant interpretation guidelines (Richards et al. 2015 PMID: 25741868, with internal and published modifications).